The following is an entry in ClinVar:

ClinVar aggregate classification (germline): Conflicting classifications of pathogenicity. Review status: criteria provided, conflicting classifications (1 of 4 stars). 3 submissions from 3 submitters: Uncertain significance (1); Likely benign (2). Last evaluated 2026-05-08.

Conditions:
Cardiomyopathy (CMYO). Also called: Cardiomyopathies. Identifiers: Orphanet 167848, MedGen C0878544, MONDO:0004994, HP:0001638. Inheritance: Various modes of inheritance.
TTN-related disorder. Also called: TTN-related condition; TTN-related disease; TTN-related disorders.

gnomAD v4.1: 7 of 1,514,760 alleles (0.00046%); highest among the groups gnomAD compares: African/African-American, 0.0069%; no homozygotes.

Submissions (3):

PreventionGenetics, part of Exact Sciences
Classification: Likely benign for TTN-related condition. Last evaluated: 2026-05-08. Review status: criteria provided, single submitter. Criteria: ACMG Guidelines, 2015. Collection method: clinical testing. Allele origin: germline.
Comment: This variant is classified as likely benign based on ACMG/AMP sequence variant interpretation guidelines (Richards et al. 2015 PMID: 25741868, with internal and published modifications).

CHEO Genetics Diagnostic Laboratory, Children's Hospital of Eastern Ontario
Classification: Likely benign for Cardiomyopathy. Last evaluated: 2021-11-05. Review status: criteria provided, single submitter. Criteria: ACMG Guidelines, 2015. Collection method: clinical testing. Allele origin: germline.

Revvity Omics, Revvity
Classification: Uncertain significance. Last evaluated: 2020-09-30. Review status: criteria provided, single submitter. Criteria: ACMG Guidelines, 2015. Collection method: clinical testing. Allele origin: germline.

NM_001267550.2(TTN):c.97776C>A (p.Ile32592=)

Genes: TTN (titin; minus strand), TTN-AS1 (TTN antisense RNA 1; plus strand). Cytogenetic location: 2q31.2.
Variant type: single nucleotide variant.
Coding change: c.97776C>A on transcript NM_001267550.2 (MANE Select); coding-DNA position 97776, C replaced by A.
Protein change: p.Ile32592=; no amino-acid change (isoleucine 32592 retained).
Molecular consequence: synonymous variant.
Genome position (GRCh38, 1-based): chr2:178,541,301, G>T on the plus strand (C>A on the coding strand, the complement: TTN is on the minus strand). VCF-style: chr2-178541301-G-T. GRCh37 (hg19) VCF-style: chr2-179406028-G-T.
Other names: c.92853C>A, p.Ile30951= (NM_001256850.1); c.70581C>A, p.Ile23527= (NM_003319.4); c.90072C>A, p.Ile30024= (NM_133378.4); c.70956C>A, p.Ile23652= (NM_133432.3); c.71157C>A, p.Ile23719= (NM_133437.4).
Identifiers: ClinVar variation 2437883 (VCV002437883.6), dbSNP rs375166890, ClinGen allele CA430096086.